The following is an entry in ClinVar:

ClinVar aggregate classification (germline): Uncertain significance (1 of 4 stars; one submission).

Conditions:
Hereditary cancer-predisposing syndrome. Also called: Neoplastic Syndromes, Hereditary; Tumor predisposition; Hereditary neoplastic syndrome; Hereditary Cancer Syndrome. Identifiers: Orphanet 140162, MedGen C0027672, MeSH D009386, MONDO:0015356.

Submission:

Ambry Genetics
Classification: Uncertain significance for Hereditary cancer-predisposing syndrome. Last evaluated: 2024-01-12. Review status: criteria provided, single submitter. Criteria: Ambry Variant Classification Scheme 2023. Collection method: clinical testing. Allele origin: germline.
Comment: The p.Q606P variant (also known as c.1817A>C), located in coding exon 12 of the RAD50 gene, results from an A to C substitution at nucleotide position 1817. The glutamine at codon 606 is replaced by proline, an amino acid with similar properties. This amino acid position is conserved. In addition, the in silico prediction for this alteration is inconclusive. Since supporting evidence is limited at this time, the clinical significance of this alteration remains unclear.

NM_005732.4(RAD50):c.1817A>C (p.Gln606Pro)

Gene: RAD50 (RAD50 double strand break repair protein; plus strand). Cytogenetic location: 5q31.1.
Variant type: single nucleotide variant.
Coding change: c.1817A>C on transcript NM_005732.4 (MANE Select); coding-DNA position 1817, A replaced by C.
Protein change: p.Gln606Pro; replaces glutamine 606 with proline.
Molecular consequence: missense variant.
Genome position (GRCh38, 1-based): chr5:132,594,892, A>C. VCF-style: chr5-132594892-A-C. GRCh37 (hg19) VCF-style: chr5-131930584-A-C.
Other names: short protein forms Q606P.
Identifiers: ClinVar variation 3224950 (VCV003224950.1), dbSNP rs749083001, ClinGen allele CA360947487.